The following is an entry in ClinVar:

NM_006662.3(SRCAP):c.7056G>T (p.Glu2352Asp)

Gene: SRCAP (Snf2 related CREBBP activator protein; plus strand). Cytogenetic location: 16p11.2.
Variant type: single nucleotide variant.
Coding change: c.7056G>T on transcript NM_006662.3 (MANE Select); coding-DNA position 7056, G replaced by T.
Protein change: p.Glu2352Asp; replaces glutamic acid 2352 with aspartic acid.
Molecular consequence: missense variant.
Genome position (GRCh38, 1-based): chr16:30,737,096, G>T. VCF-style: chr16-30737096-G-T. GRCh37 (hg19) VCF-style: chr16-30748417-G-T.
Other names: c.7056G>T (NM_006662.2); short protein forms E2352D.
Identifiers: ClinVar variation 3017541 (VCV003017541.4), dbSNP rs1238854664, ClinGen allele CA395632034.

ClinVar aggregate classification (germline): Uncertain significance. Review status: criteria provided, multiple submitters, no conflicts (2 of 4 stars). 2 submissions from 2 submitters: Uncertain significance (2). Last evaluated 2025-12-20.

Conditions:
Inborn genetic diseases. Identifiers: MedGen C0950123, MeSH D030342.

Allele frequency attached by ClinVar (database versions not stated): TOPMed below 0.00001.

Submissions (2):

Labcorp Genetics (formerly Invitae), Labcorp
Classification: Uncertain significance. Last evaluated: 2025-12-20. Review status: criteria provided, single submitter. Criteria: Invitae Variant Classification Sherloc (09022015). Collection method: clinical testing. Allele origin: germline.
Comment: This sequence change replaces glutamic acid, which is acidic and polar, with aspartic acid, which is acidic and polar, at codon 2352 of the SRCAP protein (p.Glu2352Asp). This variant is present in population databases (no rsID available, gnomAD 0.003%). This variant has not been reported in the literature in individuals affected with SRCAP-related conditions. ClinVar contains an entry for this variant (Variation ID: 3017541). Invitae Evidence Modeling of protein sequence and biophysical properties (such as structural, functional, and spatial information, amino acid conservation, physicochemical variation, residue mobility, and thermodynamic stability) indicates that this missense variant is not expected to disrupt SRCAP protein function with a negative predictive value of 80%. In summary, the available evidence is currently insufficient to determine the role of this variant in disease. Therefore, it has been classified as a Variant of Uncertain Significance.

Ambry Genetics
Classification: Uncertain significance for Inborn genetic diseases. Last evaluated: 2025-11-05. Review status: criteria provided, single submitter. Criteria: Ambry Variant Classification Scheme 2023. Collection method: clinical testing. Allele origin: germline.